The following is an entry in ClinVar:

NM_000059.4(BRCA2):c.9800A>C (p.Lys3267Thr)

Gene: BRCA2 (BRCA2 DNA repair associated; plus strand). Cytogenetic location: 13q13.1.
Variant type: single nucleotide variant.
Coding change: c.9800A>C on transcript NM_000059.4 (MANE Select); coding-DNA position 9800, A replaced by C.
Protein change: p.Lys3267Thr; replaces lysine 3267 with threonine.
Molecular consequence: missense variant.
Genome position (GRCh38, 1-based): chr13:32,398,313, A>C. VCF-style: chr13-32398313-A-C. GRCh37 (hg19) VCF-style: chr13-32972450-A-C.
Other names: c.9704A>C, p.Lys3235Thr (NM_001406719.1); c.9749A>C, p.Lys3250Thr (NM_001406720.1); c.4868A>C, p.Lys1623Thr (NM_001406721.1); c.3383A>C, p.Lys1128Thr (NM_001406722.1); short protein forms K3250T, K3267T, K1128T, K1623T, K3235T.
Identifiers: ClinVar variation 1768263 (VCV001768263.2), dbSNP rs1323152399, ClinGen allele CA387766055.
Genomic context (GRCh38, chr13:32,398,313, plus strand): 5'-AGATGACTTCAAAGTCTTGTAAAGGGGAGAAAGAGATTGATGACCAAAAGAACTGCAAAA[A>C]GAGAAGAGCCTTGGATTTCTTGAGTAGACTGCCTTTACCTCCACCTGTTAGTCCCATTTG-3'
Protein context (NP_000050.3, residues 3257-3277): KEIDDQKNCK[Lys3267Thr]RRALDFLSRL

ClinVar aggregate classification (germline): Uncertain significance (1 of 4 stars; one submission).

Conditions:
Hereditary cancer-predisposing syndrome. Also called: Hereditary Cancer Syndrome; Hereditary neoplastic syndrome; Neoplastic Syndromes, Hereditary; Tumor predisposition. Identifiers: Orphanet 140162, MedGen C0027672, MeSH D009386, MONDO:0015356.

Allele frequency attached by ClinVar (database versions not stated): gnomAD exomes below 0.00001.
gnomAD v4.1: 1 of 1,614,216 alleles (0.000062%); highest among the groups gnomAD compares: Non-Finnish European, 0.000085%; no homozygotes.

Submission:

Ambry Genetics
Classification: Uncertain significance for Hereditary cancer-predisposing syndrome. Last evaluated: 2022-05-13. Review status: criteria provided, single submitter. Criteria: Ambry Variant Classification Scheme 2023. Collection method: clinical testing. Allele origin: germline.
Comment: The p.K3267T variant (also known as c.9800A>C), located in coding exon 26 of the BRCA2 gene, results from an A to C substitution at nucleotide position 9800. The lysine at codon 3267 is replaced by threonine, an amino acid with similar properties. This amino acid position is conserved. In addition, this alteration is predicted to be tolerated by in silico analysis. Since supporting evidence is limited at this time, the clinical significance of this alteration remains unclear.